The following is an entry in ClinVar:

NM_000384.3(APOB):c.383+1G>A

Gene: APOB (apolipoprotein B; minus strand). Cytogenetic location: 2p24.1.
Variant type: single nucleotide variant.
Coding change: c.383+1G>A on transcript NM_000384.3 (MANE Select); the canonical splice donor site of the intron after coding-DNA position 383, G replaced by A.
Molecular consequence: splice donor variant.
Genome position (GRCh38, 1-based): chr2:21,040,937, C>T on the plus strand (G>A on the coding strand, the complement: APOB is on the minus strand). VCF-style: chr2-21040937-C-T. GRCh37 (hg19) VCF-style: chr2-21263809-C-T.
Identifiers: ClinVar variation 5020074 (VCV005020074.1).

ClinVar aggregate classification (germline): Likely pathogenic (1 of 4 stars; one submission).

Conditions:
Inborn errors of metabolism. Also called: Inborn error of metabolism. Identifiers: Orphanet 68367, MedGen C0025521, MONDO:0019052.

gnomAD v4.1: 1 of 1,614,018 alleles (0.000062%); highest among the groups gnomAD compares: Non-Finnish European, 0.000085%; no homozygotes.

Submission:

North West Genomic Laboratory Hub, Manchester University NHS Foundation Trust
Classification: Likely pathogenic for Inborn error of metabolism. Last evaluated: 2026-09-23. Review status: criteria provided, single submitter. Criteria: ACGS Best Practice Guidelines for Variant Classification in Rare Disease 2024. Collection method: clinical testing. Allele origin: germline. Affected: yes.
Comment: PM2_Mod PVS1_Str